The following is an entry in ClinVar:

ClinVar aggregate classification (germline): Uncertain significance (1 of 4 stars; one submission).

Allele frequency attached by ClinVar (database versions not stated): gnomAD 0.00001; TOPMed 0.00002.
gnomAD v4.1: 3 of 1,614,034 alleles (0.00019%); highest among the groups gnomAD compares: African/African-American, 0.0013%; no homozygotes.

Submission:

Labcorp Genetics (formerly Invitae), Labcorp
Classification: Uncertain significance. Last evaluated: 2025-10-11. Review status: criteria provided, single submitter. Criteria: Invitae Variant Classification Sherloc (09022015). Collection method: clinical testing. Allele origin: germline.
Comment: This sequence change replaces lysine, which is basic and polar, with arginine, which is basic and polar, at codon 401 of the TUBA8 protein (p.Lys401Arg). This variant is present in population databases (no rsID available, gnomAD 0.0009%). This variant has not been reported in the literature in individuals affected with TUBA8-related conditions. ClinVar contains an entry for this variant (Variation ID: 1975260). Invitae Evidence Modeling of protein sequence and biophysical properties (such as structural, functional, and spatial information, amino acid conservation, physicochemical variation, residue mobility, and thermodynamic stability) indicates that this missense variant is not expected to disrupt TUBA8 protein function with a negative predictive value of 80%. In summary, the available evidence is currently insufficient to determine the role of this variant in disease. Therefore, it has been classified as a Variant of Uncertain Significance.

NM_018943.3(TUBA8):c.1202A>G (p.Lys401Arg)

Gene: TUBA8 (tubulin alpha 8; plus strand). Cytogenetic location: 22q11.21.
Variant type: single nucleotide variant.
Coding change: c.1202A>G on transcript NM_018943.3 (MANE Select); coding-DNA position 1202, A replaced by G.
Protein change: p.Lys401Arg; replaces lysine 401 with arginine.
Molecular consequence: missense variant.
Genome position (GRCh38, 1-based): chr22:18,130,988, A>G. VCF-style: chr22-18130988-A-G. GRCh37 (hg19) VCF-style: chr22-18613755-A-G.
Other names: c.1004A>G, p.Lys335Arg (NM_001193414.2); short protein forms K335R, K401R.
Identifiers: ClinVar variation 1975260 (VCV001975260.5), dbSNP rs960470087, ClinGen allele CA321288646.